The following is an entry in ClinVar:

NM_000152.5(GAA):c.780C>T (p.Leu260=)

Gene: GAA (alpha glucosidase; plus strand). Cytogenetic location: 17q25.3.
Variant type: single nucleotide variant.
Coding change: c.780C>T on transcript NM_000152.5 (MANE Select); coding-DNA position 780, C replaced by T.
Protein change: p.Leu260=; no amino-acid change (leucine 260 retained).
Molecular consequence: synonymous variant.
Genome position (GRCh38, 1-based): chr17:80,107,644, C>T. VCF-style: chr17-80107644-C-T. GRCh37 (hg19) VCF-style: chr17-78081443-C-T.
Other names: c.780C>T (LRG_673t1); c.780C>T, p.Leu260= (NM_001079803.3, NM_001079804.3).
Identifiers: ClinVar variation 515070 (VCV000515070.44), dbSNP rs372614893, ClinGen allele CA8815015.

ClinVar aggregate classification (germline): Likely benign. Review status: criteria provided, multiple submitters, no conflicts (2 of 4 stars). 4 submissions from 4 submitters: Likely benign (4). Last evaluated 2024-03-16.

Conditions:
Cardiovascular phenotype. Identifiers: MedGen CN230736.
Glycogen storage disease, type II (IOPD). Also called: Glycogen storage disease type 2; Acid maltase deficiency disease; Aglucosidase alfa; Deficiency of alpha-glucosidase; Deficiency of lysosomal alpha-glucosidase; POMPE DISEASE, INFANTILE-ONSET. Identifiers: Orphanet 365, MedGen C0017921, MONDO:0009290, OMIM 232300.

Allele frequency attached by ClinVar (database versions not stated): ExAC 0.00001; gnomAD 0.00001; gnomAD exomes 0.00001 and 0.00002; TOPMed 0.00001; ESP Exome Variant Server 0.00015.
gnomAD v4.1: 30 of 1,612,976 alleles (0.0019%); highest among the groups gnomAD compares: Non-Finnish European, 0.0023%; no homozygotes.

Submissions (4):

Labcorp Genetics (formerly Invitae), Labcorp
Classification: Likely benign for Glycogen storage disease, type II. Last evaluated: 2024-03-16. Review status: criteria provided, single submitter. Criteria: Invitae Variant Classification Sherloc (09022015). Collection method: clinical testing. Allele origin: germline.

CeGaT Center for Human Genetics Tuebingen
Classification: Likely benign. Last evaluated: 2022-02-01. Review status: criteria provided, single submitter. Criteria: CeGaT Center For Human Genetics Tuebingen Variant Classification Criteria Version 2. Collection method: clinical testing. Allele origin: germline. Affected: yes. Observed: 1 variant allele.

Ambry Genetics
Classification: Likely benign for Cardiovascular phenotype. Last evaluated: 2020-07-19. Review status: criteria provided, single submitter. Criteria: Ambry Variant Classification Scheme 2023. Collection method: clinical testing. Allele origin: germline.

GeneDx
Classification: Likely benign. Last evaluated: 2018-01-25. Review status: criteria provided, single submitter. Criteria: GeneDx Variant Classification (06012015). Collection method: clinical testing. Allele origin: germline. Affected: yes.
Comment: This variant is considered likely benign or benign based on one or more of the following criteria: it is a conservative change, it occurs at a poorly conserved position in the protein, it is predicted to be benign by multiple in silico algorithms, and/or has population frequency not consistent with disease.